The following is an entry in ClinVar:

NM_000070.3(CAPN3):c.2212C>T (p.Gln738Ter)

Gene: CAPN3 (calpain 3; plus strand). Cytogenetic location: 15q15.1.
Variant type: single nucleotide variant.
Coding change: c.2212C>T on transcript NM_000070.3 (MANE Select); coding-DNA position 2212, C replaced by T.
Protein change: p.Gln738Ter; replaces glutamine 738 with a stop codon.
Molecular consequence: nonsense.
Genome position (GRCh38, 1-based): chr15:42,410,615, C>T. VCF-style: chr15-42410615-C-T. GRCh37 (hg19) VCF-style: chr15-42702813-C-T.
Other names: c.2194C>T, p.Gln732Ter (NM_024344.2); c.1936C>T, p.Gln646Ter (NM_173087.2); c.676C>T, p.Gln226Ter (NM_173088.2); c.217C>T, p.Gln73Ter (NM_173089.2, NM_173090.2); short protein forms Q73*, Q732*, Q226*, Q646*, Q738*.
Identifiers: ClinVar variation 813968 (VCV000813968.7), dbSNP rs1595847257, ClinGen allele CA392001834.

ClinVar aggregate classification (germline): Pathogenic/Likely pathogenic. Review status: criteria provided, multiple submitters, no conflicts (2 of 4 stars). 2 submissions from 2 submitters: Pathogenic (1); Likely pathogenic (1). Last evaluated 2024-11-01.

Conditions:
Autosomal recessive limb-girdle muscular dystrophy type 2A (LGMDR1). Also called: Calpainopathy; LEYDEN-MOEBIUS MUSCULAR DYSTROPHY; MUSCULAR DYSTROPHY, PELVOFEMORAL; Muscular dystrophy, limb-girdle, type 2A, Amish; Limb-girdle muscular dystrophy, type 2A. Identifiers: Orphanet 267, MedGen C1869123, MONDO:0009675, OMIM 253600. Disease mechanism: loss of function.

Submissions (2):

Labcorp Genetics (formerly Invitae), Labcorp
Classification: Pathogenic for Autosomal recessive limb-girdle muscular dystrophy type 2A. Last evaluated: 2024-11-01. Review status: criteria provided, single submitter. Criteria: Invitae Variant Classification Sherloc (09022015). Collection method: clinical testing. Allele origin: germline.
Comment: This sequence change creates a premature translational stop signal (p.Gln738*) in the CAPN3 gene. It is expected to result in an absent or disrupted protein product. Loss-of-function variants in CAPN3 are known to be pathogenic (PMID: 10330340, 15689361). This variant is not present in population databases (gnomAD no frequency). This premature translational stop signal has been observed in individual(s) with limb-girdle muscular dystrophy (PMID: 16141003). ClinVar contains an entry for this variant (Variation ID: 813968). For these reasons, this variant has been classified as Pathogenic.

Broad Center for Mendelian Genomics, Broad Institute of MIT and Harvard
Classification: Likely pathogenic for Autosomal recessive limb-girdle muscular dystrophy type 2A. Last evaluated: 2018-12-03. Review status: criteria provided, single submitter. Criteria: ACMG Guidelines, 2015. Collection method: research. Allele origin: germline. Inheritance: Autosomal recessive inheritance. Affected: yes.
Comment: This variant was absent from large population studies. This nonsense variant leads to a premature termination codon at position 738, which is predicted to lead to a truncated or absent protein. Loss of function of the CAPN3 gene is an established disease mechanism in autosomal recessive LGMD. In summary, although additional studies are required to fully establish its clinical significance, this variant is likely pathogenic. ACMG/AMP Criteria applied: PM2, PVS1 (Richards 2015).

Literature cited by the submitters: PubMed 10330340 (cited by Labcorp Genetics (formerly Invitae), Labcorp); PubMed 15689361 (cited by Labcorp Genetics (formerly Invitae), Labcorp); PubMed 16141003 (cited by Labcorp Genetics (formerly Invitae), Labcorp).